The following is an entry in ClinVar:

NM_001021.6(RPS17):c.2T>G (p.Met1Arg)

Gene: RPS17 (ribosomal protein S17; minus strand). Cytogenetic location: 15q25.2.
Variant type: single nucleotide variant.
Coding change: c.2T>G on transcript NM_001021.6 (MANE Select); coding-DNA position 2, T replaced by G.
Protein change: p.Met1Arg; changes the start codon (methionine 1).
Molecular consequence: missense variant, initiator codon variant. On other transcripts: non-coding transcript variant (2).
Genome position (GRCh38, 1-based): chr15:82,540,427, A>C on the plus strand (T>G on the coding strand, the complement: RPS17 is on the minus strand). VCF-style: chr15-82540427-A-C. GRCh37 (hg19) VCF-style: chr15-82824835-A-C.
Other names: short protein forms M1R.
Identifiers: ClinVar variation 12999 (VCV000012999.5), dbSNP rs116840811, ClinGen allele CA341244.

ClinVar aggregate classification (germline): Pathogenic. Review status: criteria provided, single submitter (1 of 4 stars). 2 submissions from 2 submitters: Pathogenic (1). 1 of the submissions does not count toward it. Last evaluated 2015-10-14.

Conditions:
Diamond-Blackfan anemia 4 (DBA4). Also called: RPS17-Related Diamond-Blackfan Anemia. Identifiers: Orphanet 124, MedGen C2675860, MONDO:0012924, OMIM 612527.
Diamond-Blackfan anemia. Also called: Blackfan Diamond syndrome; Aregenerative anemia chronic congenital; Red cell aplasia, pure hereditary; Congenital hypoplastic anemia; Aase syndrome. Identifiers: Orphanet 124, MedGen C1260899, MeSH D029503, MONDO:0015253, HP:0004810.

Submissions (2):

Ambry Genetics
Classification: Pathogenic for Diamond-Blackfan anemia. Last evaluated: 2015-10-14. Review status: criteria provided, single submitter. Criteria: Ambry Variant Classification Scheme 2023. Collection method: clinical testing. Allele origin: germline.
Comment: The p.M1? pathogenic mutation (also known as c.2T>G), located in coding exon 1 of the RPS17 gene, results from a T to G substitution at nucleotide position 2. This alters the methionine residue at the initiation codon. This mutation was found de novo in a patient with typical anemia, dysmorphic facial features, and short stature and was not observed in 71 healthy controls (Cmejla et al 2007. Hum Mutat.28(12):1178-82). In addition to the clinical data presented in the literature, since sequence variations that modify the initiation codon (ATG) are expected to result in either loss of translation initiation or N-terminal truncation, this alteration is interpreted as a disease-causing mutation (ACMG Recommendations for Standards for Interpretation and Reporting of Sequence Variations. Revision 2007. Genet Med. 2008;10:294).

OMIM
Classification: Pathogenic for DIAMOND-BLACKFAN ANEMIA 4. Last evaluated: 2007-12-01. Review status: no assertion criteria provided. Collection method: literature only. Allele origin: germline. Not counted in ClinVar's aggregate classification.

Literature cited by the submitters: PubMed 17647292 (cited by Ambry Genetics and OMIM); PubMed 19953637 (cited by Ambry Genetics).